The following is an entry in ClinVar:

ClinVar aggregate classification (germline): Likely benign. Review status: criteria provided, multiple submitters, no conflicts (2 of 4 stars). 2 submissions from 2 submitters: Likely benign (2). Last evaluated 2026-02-01.

gnomAD v4.1: 255 of 1,613,834 alleles (0.016%); highest among the groups gnomAD compares: East Asian, 0.22%; no homozygotes.

Submissions (2):

CeGaT Center for Human Genetics Tuebingen
Classification: Likely benign. Last evaluated: 2026-02-01. Review status: criteria provided, single submitter. Criteria: CeGaT Center For Human Genetics Tuebingen Variant Classification Criteria Version 2. Collection method: clinical testing. Allele origin: germline. Affected: yes. Observed: 1 variant allele.
Comment: IFNL3: BP4, BP7

Blueprint Genetics
Classification: Likely benign. Last evaluated: 2024-11-25. Review status: criteria provided, single submitter. Criteria: ACMG Guidelines, 2015. Collection method: clinical testing. Allele origin: germline.

NM_172139.4(IFNL3):c.351T>C (p.Asp117=)

Gene: IFNL3 (interferon lambda 3; minus strand). Cytogenetic location: 19q13.2.
Variant type: single nucleotide variant.
Coding change: c.351T>C on transcript NM_172139.4 (MANE Select); coding-DNA position 351, T replaced by C.
Protein change: p.Asp117=; no amino-acid change (aspartic acid 117 retained).
Molecular consequence: synonymous variant.
Genome position (GRCh38, 1-based): chr19:39,244,065, A>G on the plus strand (T>C on the coding strand, the complement: IFNL3 is on the minus strand). VCF-style: chr19-39244065-A-G. GRCh37 (hg19) VCF-style: chr19-39734705-A-G.
Other names: c.363T>C, p.Asp121= (NM_001346937.2).
Identifiers: ClinVar variation 4821211 (VCV004821211.5).